The following is an entry in ClinVar:

NM_007294.4(BRCA1):c.3739G>A (p.Val1247Ile)

Genes: BRCA1 (BRCA1 DNA repair associated; minus strand), LOC126862571 (BRD4-independent group 4 enhancer GRCh37_chr17:41243136-41244335; plus strand). Cytogenetic location: 17q21.31.
Variant type: single nucleotide variant.
Coding change: c.3739G>A on transcript NM_007294.4 (MANE Select); coding-DNA position 3739, G replaced by A.
Protein change: p.Val1247Ile; replaces valine 1247 with isoleucine.
Molecular consequence: missense variant. On other transcripts: intron variant (135).
Genome position (GRCh38, 1-based): chr17:43,091,792, C>T on the plus strand (G>A on the coding strand, the complement: BRCA1 is on the minus strand). VCF-style: chr17-43091792-C-T. GRCh37 (hg19) VCF-style: chr17-41243809-C-T.
Other names: p.V1247I:GTT>ATT; 3858G>A; c.3598G>A, p.Val1200Ile (NM_001407944.1, NM_001407945.1, NM_007297.4 and 29 more transcripts); c.3406G>A, p.Val1136Ile (NM_001407946.1, NM_001407947.1, NM_001407948.1 and 6 more transcripts); c.3403G>A, p.Val1135Ile (NM_001407954.1, NM_001407955.1, NM_001407956.1 and 1 more transcripts); c.3358G>A, p.Val1120Ile (NM_001407959.1, NM_001407960.1, NM_001407963.1); c.3355G>A, p.Val1119Ile (NM_001407962.1); c.3595G>A, p.Val1199Ile (NM_001407964.1, NM_001407740.1, NM_001407741.1 and 20 more transcripts); and 43 more; short protein forms V1247I, V1200I, V1119I, V1136I, V1179I, V1220I, V1221I, V1158I.
Identifiers: ClinVar variation 54985 (VCV000054985.34), dbSNP rs80357191, ClinGen allele CA002396.

ClinVar aggregate classification (germline): Benign. Review status: reviewed by expert panel (3 of 4 stars). 18 submissions from 18 submitters: Benign (1). 17 of the submissions do not count toward it. Last evaluated 2015-08-10.

Conditions:
BRCA1-related disorder. Also called: BRCA1-related condition.
Hereditary cancer-predisposing syndrome. Also called: Hereditary Cancer Syndrome; Hereditary neoplastic syndrome; Neoplastic Syndromes, Hereditary; Tumor predisposition. Identifiers: Orphanet 140162, MedGen C0027672, MeSH D009386, MONDO:0015356.
Breast-ovarian cancer, familial, susceptibility to, 1 (BROVCA1). Also called: BRCA1 Hereditary Breast and Ovarian Cancer; OVARIAN CANCER, SUSCEPTIBILITY TO. Identifiers: Orphanet 145, MedGen C2676676, MONDO:0011450, OMIM 604370. Disease mechanism: loss of function.
Familial cancer of breast. Also called: hereditary breast carcinoma; BREAST CANCER, FAMILIAL; Hereditary breast cancer. Identifiers: Orphanet 227535, MedGen C0346153, MONDO:0016419, OMIM 114480. Disease mechanism: loss of function.
Hereditary breast ovarian cancer syndrome. Also called: BRCA1- and BRCA2-Associated Hereditary Breast and Ovarian Cancer; Hereditary breast and ovarian cancer syndrome; Hereditary breast and ovarian cancer syndrome (HBOC); Breast and ovarian cancer; Hereditary breast and/or ovarian cancer syndrome; Hereditary breast and ovarian cancer. Identifiers: Orphanet 145, MedGen C0677776, MeSH D061325, MONDO:0003582. Disease mechanism: loss of function.

Allele frequency attached by ClinVar (database versions not stated): gnomAD 0.00006 and 0.00009; TOPMed 0.00009; 1000 Genomes Project 30x 0.00094; ESP Exome Variant Server 0.00008; gnomAD exomes 0.00010 and 0.00003; ExAC 0.00009; 1000 Genomes Project 0.00060.
gnomAD v4.1: 65 of 1,614,168 alleles (0.004%); highest among the groups gnomAD compares: East Asian, 0.062%; 1 homozygote.

Submissions (18):

Evidence-based Network for the Interpretation of Germline Mutant Alleles (ENIGMA)
Classification: Benign for Breast-ovarian cancer, familial 1. Last evaluated: 2015-08-10. Review status: reviewed by expert panel. Criteria: ENIGMA BRCA1/2 Classification Criteria (2015). Collection method: curation. Allele origin: germline.
Comment: IARC class based on posterior probability from multifactorial likelihood analysis, thresholds for class as per Plon et al. 2008 (PMID: 18951446). Class 1 based on posterior probability = 0.00000251

Labcorp Genetics (formerly Invitae), Labcorp
Classification: Benign for Hereditary breast ovarian cancer syndrome. Last evaluated: 2026-02-03. Review status: criteria provided, single submitter. Criteria: Invitae Variant Classification Sherloc (09022015). Collection method: clinical testing. Allele origin: germline. Not counted in ClinVar's aggregate classification.

Dasa
Classification: Likely benign for Breast-ovarian cancer, familial, susceptibility to, 1. Last evaluated: 2025-12-21. Review status: criteria provided, single submitter. Criteria: DASA Assertion Criteria. Collection method: clinical testing. Allele origin: germline. Not counted in ClinVar's aggregate classification.
Comment: NM_007294.4(BRCA1):c.3739G>A (p.Val1247Ile) is a missense variant that results in the substitution of valine with isoleucine. Observations in unaffected individuals support a benign interpretation, and functional evidence is consistent with no deleterious impact on the gene or gene product. Therefore, based on the currently available evidence, this variant is classified as likely benign.

Center for Genomic Medicine, Rigshospitalet, Copenhagen University Hospital
Classification: Benign. Last evaluated: 2025-03-04. Review status: criteria provided, single submitter. Criteria: ACMG Guidelines, 2015. Collection method: clinical testing. Allele origin: germline. Not counted in ClinVar's aggregate classification.

Color Diagnostics, LLC DBA Color Health
Classification: Likely benign for Hereditary cancer-predisposing syndrome. Last evaluated: 2022-01-02. Review status: criteria provided, single submitter. Criteria: ACMG Guidelines, 2015. Collection method: clinical testing. Allele origin: germline. Not counted in ClinVar's aggregate classification.

Sema4
Classification: Likely benign for Hereditary cancer-predisposing syndrome. Last evaluated: 2021-02-03. Review status: criteria provided, single submitter. Criteria: Sema4 Curation Guidelines. Collection method: curation. Allele origin: germline. Not counted in ClinVar's aggregate classification.

GeneDx
Classification: Likely benign. Last evaluated: 2020-12-23. Review status: criteria provided, single submitter. Criteria: GeneDx Variant Classification Process June 2021. Collection method: clinical testing. Allele origin: germline. Affected: yes. Not counted in ClinVar's aggregate classification.
Comment: This variant is associated with the following publications: (PMID: 27153395, 24916970, 25682074, 17924331, 15385441, 18824701, 15235020, 25337278, 26689913, 16826315, 27157322, 22753008, 18779604, 21990134, 27907908, 16267036, 10923033, 23704879, 33087888)

Mendelics
Classification: Benign for Breast-ovarian cancer, familial, susceptibility to, 1. Last evaluated: 2019-05-28. Review status: criteria provided, single submitter. Criteria: Mendelics Assertion Criteria 2017. Collection method: clinical testing. Allele origin: unknown. Not counted in ClinVar's aggregate classification.

Women's Health and Genetics/Laboratory Corporation of America, LabCorp
Classification: Benign. Last evaluated: 2019-03-26. Review status: criteria provided, single submitter. Criteria: LabCorp Variant Classification Summary - May 2015. Collection method: clinical testing. Allele origin: germline. Not counted in ClinVar's aggregate classification.
Comment: Variant summary: BRCA1 c.3739G>A (p.Val1247Ile) results in a conservative amino acid change in the encoded protein sequence. Five of five in-silico tools predict a benign effect of the variant on protein function. The variant allele was found at a frequency of 9.5e-05 in 282924 control chromosomes, predominantly within the East Asian subpopulation at a frequency of 0.001 in the gnomAD database. This frequency is about the same that is expected for a pathogenic variant in BRCA1 causing Hereditary Breast and Ovarian Cancer (0.001), suggesting that the variant might be a benign polymorphism found primarily in populations of East Asian origin. c.3739G>A has been reported in the literature in individuals, mostly of East Asian origin, affected with breast or ovarian cancer, however these reports do not provide unequivocal conclusions about association of the variant with Hereditary Breast and Ovarian Cancer. Co-occurrence with another pathogenic variant has been reported (BRCA2 c.5213_5216delCTTA (p.Thr1738fsX2) in the UMD BRCA1 database), providing supporting evidence for a benign role. In addition, multifactorial probability models, performing systematic assessments of variants of unknown significance in the BRCA genes, predicted this variant to be likely neutral (Easton 2007 and Lindor 2012). To our knowledge, no experimental evidence demonstrating an impact on protein function has been reported. Four other clinical diagnostic laboratories and one expert panel (ENIGMA) have submitted clinical-significance assessments for this variant to ClinVar after 2014 without evidence for independent evaluation. All laboratories classified the variant as benign (1x) / likely benign (3x) while the expert panel ruled on its classification as benign (1x). Based on the evidence outlined above, the variant was classified as benign.

Ambry Genetics
Classification: Benign for Hereditary cancer-predisposing syndrome. Last evaluated: 2014-11-18. Review status: criteria provided, single submitter. Criteria: Ambry Variant Classification Scheme 2023. Collection method: clinical testing. Allele origin: germline. Not counted in ClinVar's aggregate classification.

Genetic Services Laboratory, University of Chicago
Classification: Likely benign. Last evaluated: 2022-08-29. Review status: no assertion criteria provided. Collection method: clinical testing. Allele origin: germline. Affected: no. Not counted in ClinVar's aggregate classification.

PreventionGenetics, part of Exact Sciences
Classification: Benign for BRCA1-related condition. Last evaluated: 2019-03-26. Review status: no assertion criteria provided. Collection method: clinical testing. Allele origin: germline. Not counted in ClinVar's aggregate classification.
Comment: This variant is classified as benign based on ACMG/AMP sequence variant interpretation guidelines (Richards et al. 2015 PMID: 25741868, with internal and published modifications).

Sharing Clinical Reports Project (SCRP)
Classification: Benign for Breast-ovarian cancer, familial 1. Last evaluated: 2010-02-03. Review status: no assertion criteria provided. Collection method: clinical testing. Allele origin: germline. Not counted in ClinVar's aggregate classification.

Breast Cancer Information Core (BIC) (BRCA1)
Classification: Uncertain significance for Breast-ovarian cancer, familial 1. Last evaluated: 2002-05-29. Review status: no assertion criteria provided. Collection method: clinical testing. Allele origin: germline. Affected: yes. Observed: 4 variant alleles. Not counted in ClinVar's aggregate classification.

Center for Precision Medicine, Meizhou People's Hospital
Classification: Likely benign for Familial cancer of breast. Review status: no assertion criteria provided. Collection method: literature only. Allele origin: germline. Affected: yes. Not counted in ClinVar's aggregate classification.

Clinical Genetics DNA and cytogenetics Diagnostics Lab, Erasmus MC, Erasmus Medical Center
Classification: Benign. Review status: no assertion criteria provided. Collection method: clinical testing. Allele origin: germline. Affected: yes. Study: VKGL Data-share Consensus. Not counted in ClinVar's aggregate classification.

Department of Pathology and Laboratory Medicine, Sinai Health System
Classification: Uncertain significance. Review status: no assertion criteria provided. Collection method: clinical testing. Allele origin: unknown. Affected: yes. Study: The Canadian Open Genetics Repository (COGR). Not counted in ClinVar's aggregate classification.

Joint Genome Diagnostic Labs from Nijmegen and Maastricht, Radboudumc and MUMC+
Classification: Benign. Review status: no assertion criteria provided. Collection method: clinical testing. Allele origin: germline. Affected: yes. Study: VKGL Data-share Consensus. Not counted in ClinVar's aggregate classification.

Literature cited by the submitters: PubMed 21990134 (cited by Evidence-based Network for the Interpretation of Germline Mutant Alleles (ENIGMA) and Women's Health and Genetics/Laboratory Corporation of America, LabCorp); PubMed 16267036 (cited by Women's Health and Genetics/Laboratory Corporation of America, LabCorp); PubMed 15385441 (cited by Women's Health and Genetics/Laboratory Corporation of America, LabCorp); PubMed 15235020 (cited by Women's Health and Genetics/Laboratory Corporation of America, LabCorp); PubMed 17924331 (cited by Women's Health and Genetics/Laboratory Corporation of America, LabCorp); PubMed 18824701 (cited by Women's Health and Genetics/Laboratory Corporation of America, LabCorp); PubMed 22753008 (cited by Women's Health and Genetics/Laboratory Corporation of America, LabCorp); PubMed 22476429 (cited by Women's Health and Genetics/Laboratory Corporation of America, LabCorp); PubMed 23704879 (cited by Women's Health and Genetics/Laboratory Corporation of America, LabCorp); PubMed 18779604 (cited by Women's Health and Genetics/Laboratory Corporation of America, LabCorp); PubMed 24916970 (cited by Women's Health and Genetics/Laboratory Corporation of America, LabCorp and Center for Precision Medicine, Meizhou People's Hospital); PubMed 16826315 (cited by Women's Health and Genetics/Laboratory Corporation of America, LabCorp); PubMed 25337278 (cited by Women's Health and Genetics/Laboratory Corporation of America, LabCorp); PubMed 25682074 (cited by Women's Health and Genetics/Laboratory Corporation of America, LabCorp and Center for Precision Medicine, Meizhou People's Hospital); PubMed 27157322 (cited by Women's Health and Genetics/Laboratory Corporation of America, LabCorp); PubMed 27153395 (cited by Women's Health and Genetics/Laboratory Corporation of America, LabCorp and Center for Precision Medicine, Meizhou People's Hospital); PubMed 28288110 (cited by Women's Health and Genetics/Laboratory Corporation of America, LabCorp); PubMed 30093976 (cited by Women's Health and Genetics/Laboratory Corporation of America, LabCorp).